The following is an entry in ClinVar:

NM_000018.4(ACADVL):c.1009C>T (p.Leu337Phe)

Gene: ACADVL (acyl-CoA dehydrogenase very long chain; plus strand). Cytogenetic location: 17p13.1.
Variant type: single nucleotide variant.
Coding change: c.1009C>T on transcript NM_000018.4 (MANE Select); coding-DNA position 1009, C replaced by T.
Protein change: p.Leu337Phe; replaces leucine 337 with phenylalanine.
Molecular consequence: missense variant.
Genome position (GRCh38, 1-based): chr17:7,222,797, C>T. VCF-style: chr17-7222797-C-T. GRCh37 (hg19) VCF-style: chr17-7126116-C-T.
Other names: c.943C>T, p.Leu315Phe (NM_001033859.3); c.1078C>T, p.Leu360Phe (NM_001270447.2); c.781C>T, p.Leu261Phe (NM_001270448.2); short protein forms L337F, L261F, L315F, L360F.
Identifiers: ClinVar variation 570867 (VCV000570867.7), dbSNP rs1567565656, ClinGen allele CA397724155.

ClinVar aggregate classification (germline): Uncertain significance. Review status: criteria provided, multiple submitters, no conflicts (2 of 4 stars). 2 submissions from 2 submitters: Uncertain significance (2). Last evaluated 2021-08-31.

Conditions:
Very long chain acyl-CoA dehydrogenase deficiency (ACADVLD). Also called: VLCAD Deficiency; Very Long-Chain Acyl-Coenzyme A Dehydrogenase Deficiency. Identifiers: Orphanet 26793, MedGen C3887523, MONDO:0008723, OMIM 201475.

Allele frequency attached by ClinVar (database versions not stated): gnomAD exomes below 0.00001.
gnomAD v4.1: 1 of 1,613,970 alleles (0.000062%); highest among the groups gnomAD compares: Admixed American, 0.0017%; no homozygotes.

Submissions (2):

Labcorp Genetics (formerly Invitae), Labcorp
Classification: Uncertain significance for Very long chain acyl-CoA dehydrogenase deficiency. Last evaluated: 2021-08-31. Review status: criteria provided, single submitter. Criteria: Invitae Variant Classification Sherloc (09022015). Collection method: clinical testing. Allele origin: germline.

GeneDx
Classification: Uncertain significance. Last evaluated: 2020-09-23. Review status: criteria provided, single submitter. Criteria: GeneDx Variant Classification Process June 2021. Collection method: clinical testing. Allele origin: germline. Affected: yes.
Comment: Identified heterozygous in one infant with 31% residual activity and no second variant described (Hoffmnn et al., 2012).; Not observed in large population cohorts (Lek et al., 2016); In silico analysis, which includes protein predictors and evolutionary conservation, supports a deleterious effect; Computational modeling predicts L337F (L297F) lies near the catalytic center possibly affecting substrate binding (Hoffmann et al., 2012); This variant is associated with the following publications: (PMID: 21932095, 25242572)